The following is an entry in ClinVar:

NM_004360.5(CDH1):c.*3G>A

Gene: CDH1 (cadherin 1; plus strand). Cytogenetic location: 16q22.1.
Variant type: single nucleotide variant.
Coding change: c.*3G>A on transcript NM_004360.5 (MANE Select); 3 bases downstream of the stop codon, G replaced by A.
Molecular consequence: 3 prime UTR variant.
Genome position (GRCh38, 1-based): chr16:68,833,502, G>A. VCF-style: chr16-68833502-G-A. GRCh37 (hg19) VCF-style: chr16-68867405-G-A.
Other names: c.*3G>A (NM_001317184.2, NM_001317185.2, NM_001317186.2).
Identifiers: ClinVar variation 3378476 (VCV003378476.1).

ClinVar aggregate classification (germline): Benign (1 of 4 stars; one submission).

Conditions:
Hereditary diffuse gastric adenocarcinoma (HDGC). Also called: DIFFUSE GASTRIC AND LOBULAR BREAST CANCER SYNDROME. Identifiers: Orphanet 26106, MedGen C1708349, MONDO:0007648, OMIM 137215.

Submission:

Myriad Genetics, Inc.
Classification: Benign for Hereditary diffuse gastric adenocarcinoma. Last evaluated: 2024-09-25. Review status: criteria provided, single submitter. Criteria: Myriad Autosomal Dominant, Autosomal Recessive and X-Linked Classification Criteria (2023). Collection method: clinical testing. Allele origin: unknown.
Comment: This variant is considered benign. This variant occurs in the non-coding 3' untranslated region of the gene, and is not expected to impact protein function.